The following is an entry in ClinVar:

ClinVar aggregate classification (germline): Uncertain significance (1 of 4 stars; one submission).

Submission:

GeneDx
Classification: Uncertain significance. Last evaluated: 2019-09-06. Review status: criteria provided, single submitter. Criteria: GeneDx Variant Classification Process June 2021. Collection method: clinical testing. Allele origin: germline. Affected: yes.
Comment: Not observed in large population cohorts (Lek et al., 2016); Frameshift variant predicted to result in protein truncation or nonsense mediated decay in a gene for which loss-of-function is not a known mechanism of disease; Has not been previously published as pathogenic or benign to our knowledge

NM_001378414.1(HDAC4):c.1347_1350del (p.Gly450fs)

Gene: HDAC4 (histone deacetylase 4; minus strand). Cytogenetic location: 2q37.3.
Variant type: Microsatellite.
Coding change: c.1347_1350del on transcript NM_001378414.1 (MANE Select); coding-DNA positions 1347 to 1350, 4 bases deleted (TGGT; older notation c.1347_1350delTGGT).
Protein change: p.Gly450fs; shifts the reading frame from glycine 450.
Molecular consequence: frameshift variant.
Genome position (GRCh38, 1-based): chr2:239,126,639-239,126,642, ACCA deleted on the plus strand (TGGT on the coding strand, the reverse complement: HDAC4 is on the minus strand); deleting any 4 consecutive bases within chr2:239,126,639-239,126,647 gives the same sequence; the c. name uses the placement nearest the transcript's 3' end. VCF-style (leftmost placement, unchanged base first): chr2-239126638-CACCA-C. GRCh37 (hg19) VCF-style: chr2-240048334-CACCA-C.
Other names: c.1347_1350del, p.Gly450fs (NM_001378415.1); c.1332_1335del, p.Gly445fs (NM_001378416.1, NM_001378417.1, NM_006037.4); short protein forms G445fs, G450fs.
Identifiers: ClinVar variation 1195151 (VCV001195151.2), dbSNP rs2152852120, ClinGen allele CA2580614118.